The following is an entry in ClinVar:

ClinVar aggregate classification (germline): Benign (0 of 4 stars; one submission).

Conditions:
EFR3A-related disorder. Also called: EFR3A-related condition.

Submission:

PreventionGenetics, part of Exact Sciences
Classification: Benign for EFR3A-related condition. Last evaluated: 2019-05-03. Review status: no assertion criteria provided. Collection method: clinical testing. Allele origin: germline.
Comment: This variant is classified as benign based on ACMG/AMP sequence variant interpretation guidelines (Richards et al. 2015 PMID: 25741868, with internal and published modifications).

NM_015137.6(EFR3A):c.489-6_489-5del

Gene: EFR3A (EFR3 homolog A; plus strand). Cytogenetic location: 8q24.22.
Variant type: Deletion.
Coding change: c.489-6_489-5del on transcript NM_015137.6 (MANE Select); 6 bases into the intron before coding-DNA position 489 through 5 bases into the intron before coding-DNA position 489, 2 bases deleted (TT; older notation c.489-6_489-5delTT).
Molecular consequence: intron variant.
Genome position (GRCh38, 1-based): chr8:131,953,812-131,953,813, TT deleted; deleting any 2 consecutive bases within chr8:131,953,799-131,953,813 gives the same sequence; the c. name uses the placement nearest the transcript's 3' end. VCF-style (leftmost placement, unchanged base first): chr8-131953798-CTT-C. GRCh37 (hg19) VCF-style: chr8-132966045-CTT-C.
Other names: c.381-6_381-5del (NM_001323555.2, NM_001323554.2, NM_001323553.2 and 2 more transcripts); c.489-6_489-5del (NM_001323558.2).
Identifiers: ClinVar variation 3059061 (VCV003059061.2), dbSNP rs112472883, ClinGen allele CA4878783.